The following is an entry in ClinVar:

NM_004820.5(CYP7B1):c.1A>G (p.Met1Val)

Genes: CYP7B1 (cytochrome P450 family 7 subfamily B member 1; minus strand), LOC130000507 (ATAC-STARR-seq lymphoblastoid silent region 19243; plus strand). Cytogenetic location: 8q12.3.
Variant type: single nucleotide variant.
Coding change: c.1A>G on transcript NM_004820.5 (MANE Select); coding-DNA position 1, A replaced by G.
Protein change: p.Met1Val; changes the start codon (methionine 1).
Molecular consequence: missense variant, initiator codon variant.
Genome position (GRCh38, 1-based): chr8:64,798,587, T>C on the plus strand (A>G on the coding strand, the complement: CYP7B1 is on the minus strand). VCF-style: chr8-64798587-T-C. GRCh37 (hg19) VCF-style: chr8-65711144-T-C.
Other names: c.1A>G, p.Met1Val (NM_001324112.2); short protein forms M1V.
Identifiers: ClinVar variation 987150 (VCV000987150.7), dbSNP rs891749853, ClinGen allele CA179061886.

ClinVar aggregate classification (germline): Conflicting classifications of pathogenicity. Review status: criteria provided, conflicting classifications (1 of 4 stars). 2 submissions from 2 submitters: Likely pathogenic (1); Uncertain significance (1). Last evaluated 2022-05-20.

Conditions:
Spastic paraplegia. Identifiers: MedGen C0037772, HP:0001258.

Allele frequency attached by ClinVar (database versions not stated): gnomAD below 0.00001 and 0.00001.

Submissions (2):

Labcorp Genetics (formerly Invitae), Labcorp
Classification: Uncertain significance for Spastic paraplegia. Last evaluated: 2022-05-20. Review status: criteria provided, single submitter. Criteria: Invitae Variant Classification Sherloc (09022015). Collection method: clinical testing. Allele origin: germline.
Comment: This sequence change affects the initiator methionine of the CYP7B1 mRNA. The next in-frame methionine is located at codon 70. This variant is not present in population databases (gnomAD no frequency). This variant has not been reported in the literature in individuals affected with CYP7B1-related conditions. ClinVar contains an entry for this variant (Variation ID: 987150). Experimental studies and prediction algorithms are not available or were not evaluated, and the functional significance of this variant is currently unknown. In summary, the available evidence is currently insufficient to determine the role of this variant in disease. Therefore, it has been classified as a Variant of Uncertain Significance.

Institute of Medical Genetics and Applied Genomics, University Hospital Tübingen
Classification: Likely pathogenic. Last evaluated: 2020-10-23. Review status: criteria provided, single submitter. Criteria: ACMG Guidelines, 2015. Collection method: clinical testing. Allele origin: germline. Inheritance: Autosomal recessive inheritance. Affected: yes.